The following is an entry in ClinVar:

NM_001321120.2(TBX4):c.401+3A>T

Gene: TBX4 (T-box transcription factor 4; plus strand). Cytogenetic location: 17q23.2.
Variant type: single nucleotide variant.
Coding change: c.401+3A>T on transcript NM_001321120.2 (MANE Select); 3 bases into the intron after coding-DNA position 401, A replaced by T.
Molecular consequence: intron variant.
Genome position (GRCh38, 1-based): chr17:61,465,941, A>T. VCF-style: chr17-61465941-A-T. GRCh37 (hg19) VCF-style: chr17-59543302-A-T.
Other names: c.401+3A>T (NM_018488.3).
Identifiers: ClinVar variation 1188835 (VCV001188835.3), dbSNP rs574516876, ClinGen allele CA2499224777.
Genomic context (GRCh38, chr17:61,465,941, plus strand): 5'-TGCTGATTGACATTGTCCCTGCCGATGACCATCGCTACAAGTTCTGTGACAACAAATGGT[A>T]AGTGGACCCTGACCGCATCACCCACGTTCCCTCAACTGCCCACTTGCCACGCCCCCACCT-3'

ClinVar aggregate classification (germline): Uncertain significance. Review status: criteria provided, multiple submitters, no conflicts (2 of 4 stars). 3 submissions from 3 submitters: Uncertain significance (2). 1 of the submissions does not count toward it. Last evaluated 2025-10-02.

Conditions:
Coxopodopatellar syndrome. Also called: PATELLA APLASIA, COXA VARA, AND TARSAL SYNOSTOSIS; ISCHIOCOXOPODOPATELLAR SYNDROME; ISCHIOPATELLAR DYSPLASIA; SCOTT-TAOR SYNDROME; Small patella syndrome; ISCHIOCOXOPODOPATELLAR SYNDROME WITH OR WITHOUT PULMONARY ARTERIAL HYPERTENSION. Identifiers: Orphanet 1509, MedGen C1840061, MONDO:0007841, OMIM 147891.

Submissions (3):

GeneDx
Classification: Uncertain significance. Last evaluated: 2025-10-02. Review status: criteria provided, single submitter. Criteria: GeneDx Variant Classification Process June 2021. Collection method: clinical testing. Allele origin: germline. Affected: yes.
Comment: Not observed at significant frequency in large population cohorts (gnomAD); In silico analysis suggests that this variant does not alter splicing; Identified in an infant with respiratory failure and pulmonary hypertension, however, the infant also harbored chromosomal copy number variants which may contribute to the phenotype (PMID: 36878902); This variant is associated with the following publications: (PMID: 36878902)

Broad Center for Mendelian Genomics, Broad Institute of MIT and Harvard
Classification: Uncertain significance for Coxopodopatellar syndrome. Last evaluated: 2023-05-02. Review status: criteria provided, single submitter. Criteria: ACMG Guidelines, 2015. Collection method: curation. Allele origin: germline. Inheritance: Autosomal dominant inheritance.
Comment: The c.401+3A>T variant in TBX4 has not been previously reported in individuals with ischiocoxopodopatellar syndrome with or without pulmonary arterial hypertension. This variant was absent from large population studies. This variant has also been reported in ClinVar (Variation ID: 1188835) and has been interpreted as a variant of uncertain significance by the Boston Children‚Äôs Hospital Gene Discovery Core-Manton Center. This variant is located in the 5' splice region. Computational tools do not predict a splicing impact, though this information is not predictive enough to rule out pathogenicity. In summary, the clinical significance of the c.401+3A>T variant is uncertain. ACMG/AMP Criteria applied: PM2_Supporting, BP4 (Richards 2015).

Gene Discovery Core-Manton Center, Boston Children's Hospital
Classification: Uncertain significance for Coxopodopatellar syndrome. Last evaluated: 2020-02-14. Review status: no assertion criteria provided. Collection method: research. Allele origin: paternal. Affected: yes. Not counted in ClinVar's aggregate classification.
Comment: This variant is interpretted as uncertain signficance for Ischiocoxopodopatellar syndrome with or without pulmonary arterial hypertension; autosomal dominant. PM2 - Absent from controls (or at extremely low frequency if recessive) in Exome Sequencing Project, 1000 Genomes Project, or Exome Aggregation Consortium. BP4 - Multiple lines of computational evidence suggest no impact on gene or gene product (conservation, evolutionary, splicing impact, etc.)